The following is an entry in ClinVar:

NM_153717.3(EVC):c.2097+111A>C

Gene: EVC (EvC ciliary complex subunit 1; plus strand). Cytogenetic location: 4p16.2.
Variant type: single nucleotide variant.
Coding change: c.2097+111A>C on transcript NM_153717.3 (MANE Select); 111 bases into the intron after coding-DNA position 2097, A replaced by C.
Molecular consequence: intron variant.
Genome position (GRCh38, 1-based): chr4:5,797,343, A>C. VCF-style: chr4-5797343-A-C. GRCh37 (hg19) VCF-style: chr4-5799070-A-C.
Other names: c.2097+111A>C (NM_001306090.2).
Identifiers: ClinVar variation 675032 (VCV000675032.2), dbSNP rs76138881, ClinGen allele CA11744183.

ClinVar aggregate classification (germline): Benign. Review status: criteria provided, multiple submitters, no conflicts (2 of 4 stars). 2 submissions from 2 submitters: Benign (2). Last evaluated 2018-06-14.

Allele frequency attached by ClinVar (database versions not stated): gnomAD exomes 0.06409; 1000 Genomes Project 0.06889; 1000 Genomes Project 30x 0.07386; gnomAD 0.09059 and 0.09446; TOPMed 0.09419.
gnomAD v4.1: 64,612 of 938,946 alleles (6.9%); highest among the groups gnomAD compares: African/African-American, 15%; 2,822 homozygotes.

Submissions (2):

GeneDx
Classification: Benign. Last evaluated: 2018-06-14. Review status: criteria provided, single submitter. Criteria: GeneDx Variant Classification (06012015). Collection method: clinical testing. Allele origin: germline. Affected: yes.
Comment: This variant is considered likely benign or benign based on one or more of the following criteria: it is a conservative change, it occurs at a poorly conserved position in the protein, it is predicted to be benign by multiple in silico algorithms, and/or has population frequency not consistent with disease.

Breakthrough Genomics
Classification: Benign. Review status: criteria provided, single submitter. Criteria: ACMG Guidelines, 2015. Collection method: not provided. Allele origin: germline. Inheritance: Autosomal recessive inheritance. Affected: yes.